The following is an entry in ClinVar:

NM_000748.3(CHRNB2):c.884C>T (p.Pro295Leu)

Gene: CHRNB2 (cholinergic receptor nicotinic beta 2 subunit; plus strand). Cytogenetic location: 1q21.3.
Variant type: single nucleotide variant.
Coding change: c.884C>T on transcript NM_000748.3 (MANE Select); coding-DNA position 884, C replaced by T.
Protein change: p.Pro295Leu; replaces proline 295 with leucine.
Molecular consequence: missense variant.
Genome position (GRCh38, 1-based): chr1:154,571,707, C>T. VCF-style: chr1-154571707-C-T. GRCh37 (hg19) VCF-style: chr1-154544183-C-T.
Other names: short protein forms P295L.
Identifiers: ClinVar variation 2869626 (VCV002869626.3), dbSNP rs1455115470, ClinGen allele CA342631036.

ClinVar aggregate classification (germline): Uncertain significance (1 of 4 stars; one submission).

Conditions:
Familial sleep-related hypermotor epilepsy. Also called: Autosomal Dominant Sleep-Related Hypermotor (Hyperkinetic) Epilepsy. Identifiers: Orphanet 98784, MedGen C3696898, MONDO:0000030.

Allele frequency attached by ClinVar (database versions not stated): gnomAD 0.00001.

Submission:

Labcorp Genetics (formerly Invitae), Labcorp
Classification: Uncertain significance. Last evaluated: 2023-11-12. Review status: criteria provided, single submitter. Criteria: Invitae Variant Classification Sherloc (09022015). Collection method: clinical testing. Allele origin: germline.
Comment: This sequence change replaces proline, which is neutral and non-polar, with leucine, which is neutral and non-polar, at codon 295 of the CHRNB2 protein (p.Pro295Leu). This variant is present in population databases (no rsID available, gnomAD 0.1%). This variant has not been reported in the literature in individuals affected with CHRNB2-related conditions. Advanced modeling of protein sequence and biophysical properties (such as structural, functional, and spatial information, amino acid conservation, physicochemical variation, residue mobility, and thermodynamic stability) performed at Invitae indicates that this missense variant is expected to disrupt CHRNB2 protein function with a positive predictive value of 80%. In summary, the available evidence is currently insufficient to determine the role of this variant in disease. Therefore, it has been classified as a Variant of Uncertain Significance.